The following is an entry in ClinVar:

ClinVar aggregate classification (germline): Uncertain significance (1 of 4 stars; one submission).

Submission:

Athena Diagnostics
Classification: Uncertain significance. Last evaluated: 2023-07-14. Review status: criteria provided, single submitter. Criteria: Athena Diagnostics Criteria. Collection method: clinical testing. Allele origin: unknown.
Comment: Available data are insufficient to determine the clinical significance of the variant at this time. This variant has not been reported in large, multi-ethnic general populations. This variant has been identified in at least one individual with clinical features associated with this gene. Computational tools yielded predictions that this variant is unlikely to have an effect on normal RNA splicing. The variant is located in a region that is considered important for protein function and/or structure.

NM_000068.4(CACNA1A):c.4970_4987del

Gene: CACNA1A (calcium voltage-gated channel subunit alpha1 A; minus strand). Cytogenetic location: 19p13.13.
Variant type: Deletion.
Coding change: c.4970_4987del on transcript NM_000068.4; coding-DNA positions 4970 to 4987, 18 bases deleted (ATAACTTCATCAACCTGA).
Molecular consequence: splice acceptor variant.
Genome position (GRCh38, 1-based): chr19:13,235,712-13,235,729, TCAGGTTGATGAAGTTAT deleted on the plus strand (ATAACTTCATCAACCTGA on the coding strand, the reverse complement: CACNA1A is on the minus strand); deleting any 18 consecutive bases within chr19:13,235,712-13,235,731 gives the same sequence; the c. name uses the placement nearest the transcript's 3' end. VCF-style (leftmost placement, unchanged base first): chr19-13235711-CTCAGGTTGATGAAGTTAT-C. GRCh37 (hg19) VCF-style: chr19-13346525-CTCAGGTTGATGAAGTTAT-C.
Identifiers: ClinVar variation 2684117 (VCV002684117.1), dbSNP rs2512649634, ClinGen allele CA2697556335.